The following is an entry in ClinVar:

NM_007118.4(TRIO):c.3639T>C (p.His1213=)

Gene: TRIO (trio Rho guanine nucleotide exchange factor; plus strand). Cytogenetic location: 5p15.2.
Variant type: single nucleotide variant.
Coding change: c.3639T>C on transcript NM_007118.4 (MANE Select); coding-DNA position 3639, T replaced by C.
Protein change: p.His1213=; no amino-acid change (histidine 1213 retained).
Molecular consequence: synonymous variant. On other transcripts: non-coding transcript variant (1).
Genome position (GRCh38, 1-based): chr5:14,387,506, T>C. VCF-style: chr5-14387506-T-C. GRCh37 (hg19) VCF-style: chr5-14387615-T-C.
Identifiers: ClinVar variation 721180 (VCV000721180.29), dbSNP rs140850570, ClinGen allele CA3206240.
Genomic context (GRCh38, chr5:14,387,506, plus strand): 5'-AGAGAGAGTGAAGCTATTGATACAGCTGGCTGATGGCTTTTGTGAAAAAGGGCATGCCCA[T>C]GCGGCAGAGATAAAAAAATGTGTTACTGCTGTGGATAAGAGGTACAGAGATTTCTCTCTG-3'
Protein context (NP_009049.2, residues 1203-1223): ADGFCEKGHA[His1213=]AAEIKKCVTA

ClinVar aggregate classification (germline): Benign/Likely benign. Review status: criteria provided, multiple submitters, no conflicts (2 of 4 stars). 4 submissions from 4 submitters: Benign (2); Likely benign (2). Last evaluated 2026-06-01.

Allele frequency attached by ClinVar (database versions not stated): 1000 Genomes Project 30x 0.00031; 1000 Genomes Project 0.00040; gnomAD exomes 0.00094 and 0.00152; ExAC 0.00100; TOPMed 0.00112; ESP Exome Variant Server 0.00115; gnomAD 0.00116 and 0.00122.
gnomAD v4.1: 2,362 of 1,614,208 alleles (0.15%); highest among the groups gnomAD compares: Non-Finnish European, 0.19%; 3 homozygotes.

Submissions (4):

CeGaT Center for Human Genetics Tuebingen
Classification: Likely benign. Last evaluated: 2026-06-01. Review status: criteria provided, single submitter. Criteria: CeGaT Center For Human Genetics Tuebingen Variant Classification Criteria Version 2. Collection method: clinical testing. Allele origin: germline. Affected: yes. Observed: 11 variant alleles.
Comment: TRIO: BP4, BP7, BS1

Blueprint Genetics
Classification: Likely benign. Last evaluated: 2024-11-26. Review status: criteria provided, single submitter. Criteria: ACMG Guidelines, 2015. Collection method: clinical testing. Allele origin: germline.

GeneDx
Classification: Benign. Last evaluated: 2019-11-01. Review status: criteria provided, single submitter. Criteria: GeneDx Variant Classification Process June 2021. Collection method: clinical testing. Allele origin: germline. Affected: yes.

Labcorp Genetics (formerly Invitae), Labcorp
Classification: Benign. Last evaluated: 2018-05-09. Review status: criteria provided, single submitter. Criteria: Invitae Variant Classification Sherloc (09022015). Collection method: clinical testing. Allele origin: germline.